The following is an entry in ClinVar:

NM_000687.4(AHCY):c.350C>A (p.Thr117Asn)

Gene: AHCY (adenosylhomocysteinase; minus strand). Cytogenetic location: 20q11.22.
Variant type: single nucleotide variant.
Coding change: c.350C>A on transcript NM_000687.4 (MANE Select); coding-DNA position 350, C replaced by A.
Protein change: p.Thr117Asn; replaces threonine 117 with asparagine.
Molecular consequence: missense variant.
Genome position (GRCh38, 1-based): chr20:34,292,453, G>T on the plus strand (C>A on the coding strand, the complement: AHCY is on the minus strand). VCF-style: chr20-34292453-G-T. GRCh37 (hg19) VCF-style: chr20-32880259-G-T.
Other names: c.266C>A, p.Thr89Asn (NM_001161766.2, NM_001322084.2, NM_001322085.2); c.356C>A, p.Thr119Asn (NM_001322086.2); c.350C>A, p.Thr117Asn (NM_001362750.2); short protein forms T119N, T89N, T117N.
Identifiers: ClinVar variation 2165253 (VCV002165253.2), dbSNP rs1356053927, ClinGen allele CA408659326.

ClinVar aggregate classification (germline): Uncertain significance (1 of 4 stars; one submission).

Conditions:
Hypermethioninemia with deficiency of S-adenosylhomocysteine hydrolase. Identifiers: Orphanet 88618, MedGen C3151058, MONDO:0013404, OMIM 613752.

gnomAD v4.1: 4 of 1,614,016 alleles (0.00025%); highest among the groups gnomAD compares: Non-Finnish European, 0.00025%; no homozygotes.

Submission:

Labcorp Genetics (formerly Invitae), Labcorp
Classification: Uncertain significance for Hypermethioninemia with deficiency of S-adenosylhomocysteine hydrolase. Last evaluated: 2022-03-19. Review status: criteria provided, single submitter. Criteria: Invitae Variant Classification Sherloc (09022015). Collection method: clinical testing. Allele origin: germline.
Comment: This variant has not been reported in the literature in individuals affected with AHCY-related conditions. This variant is present in population databases (no rsID available, gnomAD 0.0009%). This sequence change replaces threonine, which is neutral and polar, with asparagine, which is neutral and polar, at codon 117 of the AHCY protein (p.Thr117Asn). Algorithms developed to predict the effect of missense changes on protein structure and function are either unavailable or do not agree on the potential impact of this missense change (SIFT: "Not Available"; PolyPhen-2: "Possibly Damaging"; Align-GVGD: "Not Available"). In summary, the available evidence is currently insufficient to determine the role of this variant in disease. Therefore, it has been classified as a Variant of Uncertain Significance.